The following is an entry in ClinVar:

NM_001184.4(ATR):c.7384G>A (p.Ala2462Thr)

Gene: ATR (ATR checkpoint kinase; minus strand). Cytogenetic location: 3q23.
Variant type: single nucleotide variant.
Coding change: c.7384G>A on transcript NM_001184.4 (MANE Select); coding-DNA position 7384, G replaced by A.
Protein change: p.Ala2462Thr; replaces alanine 2462 with threonine.
Molecular consequence: missense variant.
Genome position (GRCh38, 1-based): chr3:142,459,077, C>T on the plus strand (G>A on the coding strand, the complement: ATR is on the minus strand). VCF-style: chr3-142459077-C-T. GRCh37 (hg19) VCF-style: chr3-142177919-C-T.
Other names: c.7192G>A, p.Ala2398Thr (NM_001354579.2); short protein forms A2398T, A2462T.
Identifiers: ClinVar variation 3221290 (VCV003221290.1), dbSNP rs2108260511, ClinGen allele CA354796258.
Genomic context (GRCh38, chr3:142,459,077, plus strand): 5'-GAATATTTTCACCATGACGGTCTCCAAGCCCCAGAATATAACCAACCATTGACATTACTG[C>T]AGTGGAACGGCAGTAAGCTGATCTACTACTGTACCTAAAAGAAACACAATGCCTATGAAA-3'
Protein context (NP_001175.2, residues 2452-2472): SSRSAYCRST[Ala2462Thr]VMSMVGYILG

ClinVar aggregate classification (germline): Uncertain significance (1 of 4 stars; one submission).

Conditions:
Inborn genetic diseases. Identifiers: MedGen C0950123, MeSH D030342.

Allele frequency attached by ClinVar (database versions not stated): gnomAD exomes below 0.00001.
gnomAD v4.1: 1 of 1,614,000 alleles (0.000062%); highest among the groups gnomAD compares: South Asian, 0.0011%; no homozygotes.

Submission:

Ambry Genetics
Classification: Uncertain significance for Inborn genetic diseases. Last evaluated: 2023-11-11. Review status: criteria provided, single submitter. Criteria: Ambry Variant Classification Scheme 2023. Collection method: clinical testing. Allele origin: germline.
Comment: The p.A2462T variant (also known as c.7384G>A), located in coding exon 44 of the ATR gene, results from a G to A substitution at nucleotide position 7384. The alanine at codon 2462 is replaced by threonine, an amino acid with similar properties. This amino acid position is conserved. In addition, this alteration is predicted to be deleterious by in silico analysis. Since supporting evidence is limited at this time, the clinical significance of this alteration remains unclear.